The following is an entry in ClinVar:

ClinVar aggregate classification (germline): Uncertain significance (1 of 4 stars; one submission).

Submission:

GeneDx
Classification: Uncertain significance. Last evaluated: 2023-03-19. Review status: criteria provided, single submitter. Criteria: GeneDx Variant Classification Process June 2021. Collection method: clinical testing. Allele origin: germline. Affected: yes.
Comment: Not observed at significant frequency in large population cohorts (gnomAD); In silico analysis supports that this missense variant has a deleterious effect on protein structure/function; Has not been previously published as pathogenic or benign to our knowledge

NM_004380.3(CREBBP):c.1459G>C (p.Ala487Pro)

Gene: CREBBP (CREB binding protein; minus strand). Cytogenetic location: 16p13.3.
Variant type: single nucleotide variant.
Coding change: c.1459G>C on transcript NM_004380.3 (MANE Select); coding-DNA position 1459, G replaced by C.
Protein change: p.Ala487Pro; replaces alanine 487 with proline.
Molecular consequence: missense variant.
Genome position (GRCh38, 1-based): chr16:3,782,798, C>G on the plus strand (G>C on the coding strand, the complement: CREBBP is on the minus strand). VCF-style: chr16-3782798-C-G. GRCh37 (hg19) VCF-style: chr16-3832799-C-G.
Other names: c.1345G>C, p.Ala449Pro (NM_001079846.1); short protein forms A449P, A487P.
Identifiers: ClinVar variation 2581783 (VCV002581783.1), dbSNP rs2141252426, ClinGen allele CA394557632.